The following is an entry in ClinVar:

ClinVar aggregate classification (germline): Uncertain significance. Review status: criteria provided, multiple submitters, no conflicts (2 of 4 stars). 2 submissions from 2 submitters: Uncertain significance (2). Last evaluated 2025-06-17.

Conditions:
Emery-Dreifuss muscular dystrophy (EDMD). Also called: Scapuloperoneal syndrome, X-linked (formerly); Humeroperoneal neuromuscular disease, (formerly). Identifiers: Orphanet 261, MedGen C0410189, MONDO:0016830.

Allele frequency attached by ClinVar (database versions not stated): gnomAD exomes 0.00002; gnomAD 0.00003; TOPMed 0.00004; ExAC 0.00008.

Submissions (2):

Labcorp Genetics (formerly Invitae), Labcorp
Classification: Uncertain significance for Emery-Dreifuss muscular dystrophy. Last evaluated: 2025-06-17. Review status: criteria provided, single submitter. Criteria: Invitae Variant Classification Sherloc (09022015). Collection method: clinical testing. Allele origin: germline.
Comment: This sequence change replaces glycine, which is neutral and non-polar, with serine, which is neutral and polar, at codon 403 of the SUN1 protein (p.Gly403Ser). This variant is present in population databases (rs532151990, gnomAD 0.1%), and has an allele count higher than expected for a pathogenic variant. This variant has not been reported in the literature in individuals affected with SUN1-related conditions. ClinVar contains an entry for this variant (Variation ID: 2037827). An algorithm developed to predict the effect of missense changes on protein structure and function outputs the following: PolyPhen-2: "Possibly Damaging". The serine amino acid residue is found in multiple mammalian species, which suggests that this missense change does not adversely affect protein function. In summary, the available evidence is currently insufficient to determine the role of this variant in disease. Therefore, it has been classified as a Variant of Uncertain Significance.

Ambry Genetics
Classification: Uncertain significance. Last evaluated: 2024-03-19. Review status: criteria provided, single submitter. Criteria: Ambry Variant Classification Scheme 2023. Collection method: clinical testing. Allele origin: germline.

NM_001130965.3(SUN1):c.1207G>A (p.Gly403Ser)

Gene: SUN1 (Sad1 and UNC84 domain containing 1; plus strand). Cytogenetic location: 7p22.3.
Variant type: single nucleotide variant.
Coding change: c.1207G>A on transcript NM_001130965.3 (MANE Select); coding-DNA position 1207, G replaced by A.
Protein change: p.Gly403Ser; replaces glycine 403 with serine.
Molecular consequence: missense variant. On other transcripts: non-coding transcript variant (3).
Genome position (GRCh38, 1-based): chr7:853,562, G>A. VCF-style: chr7-853562-G-A. GRCh37 (hg19) VCF-style: chr7-893199-G-A.
Other names: c.898G>A, p.Gly300Ser (NM_001171944.2); c.1207G>A, p.Gly403Ser (NM_001367633.1, NM_001367634.1, NM_001367653.1 and 1 more transcripts); c.856G>A, p.Gly286Ser (NM_001367635.1); c.1447G>A, p.Gly483Ser (NM_001367636.1, NM_001367691.1); c.1315G>A, p.Gly439Ser (NM_001367638.1); c.748G>A, p.Gly250Ser (NM_001367639.1); c.1387G>A, p.Gly463Ser (NM_001367640.1); c.1489G>A, p.Gly497Ser (NM_001367641.1, NM_001367682.1); and 39 more; short protein forms G286S, G300S, G320S, G357S, G398S, G403S, G417S, G446S.
Identifiers: ClinVar variation 2037827 (VCV002037827.5), dbSNP rs532151990, ClinGen allele CA4112091.
Genomic context (GRCh38, chr7:853,562, plus strand): 5'-CTCCGAGAGCTGACCACTTTGCTACAGAAGCTGCAGGCTCGGGTGGACCAGATGGAAGGC[G>A]GCGCTGCCGGGCCGTCAGCTTCGGTCAGAGACGCTGTGGGACAGCCCCCGAGGGAGGTGG-3'
Protein context (NP_001124437.1, residues 393-413): LQARVDQMEG[Gly403Ser]AAGPSASVRD